The following is an entry in ClinVar:

NM_015450.3(POT1):c.239G>A (p.Arg80His)

Gene: POT1 (protection of telomeres 1; minus strand). Cytogenetic location: 7q31.33.
Variant type: single nucleotide variant.
Coding change: c.239G>A on transcript NM_015450.3 (MANE Select); coding-DNA position 239, G replaced by A.
Protein change: p.Arg80His; replaces arginine 80 with histidine.
Molecular consequence: missense variant. On other transcripts: non-coding transcript variant (3), intron variant (1).
Genome position (GRCh38, 1-based): chr7:124,870,927, C>T on the plus strand (G>A on the coding strand, the complement: POT1 is on the minus strand). VCF-style: chr7-124870927-C-T. GRCh37 (hg19) VCF-style: chr7-124510981-C-T.
Other names: c.-138-7287G>A (NM_001042594.2); short protein forms R80H.
Identifiers: ClinVar variation 475074 (VCV000475074.18), dbSNP rs868664738, ClinGen allele CA369061314.

ClinVar aggregate classification (germline): Uncertain significance. Review status: criteria provided, multiple submitters, no conflicts (2 of 4 stars). 3 submissions from 3 submitters: Uncertain significance (3). Last evaluated 2025-10-01.

Conditions:
Tumor predisposition syndrome 3 (TPDS3). Also called: Glioma susceptibility 9; LONG TELOMERE SYNDROME, POT1-RELATED; POT1 Tumor Predisposition; Melanoma, cutaneous malignant, susceptibility to, 10. Identifiers: Orphanet 618, MedGen C4014476, MONDO:0014368, OMIM 615848.
Hereditary cancer-predisposing syndrome. Also called: Hereditary neoplastic syndrome; Hereditary Cancer Syndrome; Neoplastic Syndromes, Hereditary; Tumor predisposition. Identifiers: Orphanet 140162, MedGen C0027672, MeSH D009386, MONDO:0015356.

Allele frequency attached by ClinVar (database versions not stated): gnomAD exomes 0.00001; TOPMed 0.00001; gnomAD 0.00002.
gnomAD v4.1: 10 of 1,605,528 alleles (0.00062%); highest among the groups gnomAD compares: Admixed American, 0.0017%; no homozygotes.

Submissions (3):

Labcorp Genetics (formerly Invitae), Labcorp
Classification: Uncertain significance for Tumor predisposition syndrome 3. Last evaluated: 2025-10-01. Review status: criteria provided, single submitter. Criteria: Invitae Variant Classification Sherloc (09022015). Collection method: clinical testing. Allele origin: germline.
Comment: This sequence change replaces arginine, which is basic and polar, with histidine, which is basic and polar, at codon 80 of the POT1 protein (p.Arg80His). The frequency data for this variant in the population databases is considered unreliable, as metrics indicate poor data quality at this position in the gnomAD database. This missense change has been observed in individual(s) with clinical features of POT1-related conditions (internal data). ClinVar contains an entry for this variant (Variation ID: 475074). Invitae Evidence Modeling of protein sequence and biophysical properties (such as structural, functional, and spatial information, amino acid conservation, physicochemical variation, residue mobility, and thermodynamic stability) indicates that this missense variant is not expected to disrupt POT1 protein function with a negative predictive value of 80%. In summary, the available evidence is currently insufficient to determine the role of this variant in disease. Therefore, it has been classified as a Variant of Uncertain Significance.

Ambry Genetics
Classification: Uncertain significance for Hereditary cancer-predisposing syndrome. Last evaluated: 2024-02-01. Review status: criteria provided, single submitter. Criteria: Ambry Variant Classification Scheme 2023. Collection method: clinical testing. Allele origin: germline.
Comment: The p.R80H variant (also known as c.239G>A), located in coding exon 3 of the POT1 gene, results from a G to A substitution at nucleotide position 239. The arginine at codon 80 is replaced by histidine, an amino acid with highly similar properties. This variant has been observed in at least one individual with a personal and/or family history that is consistent with POT1-related tumor predisposition syndrome (Ambry internal data). This amino acid position is highly conserved in available vertebrate species. In addition, this alteration is predicted to be deleterious by in silico analysis. Since supporting evidence is limited at this time, the clinical significance of this alteration remains unclear.

GeneDx
Classification: Uncertain significance. Last evaluated: 2023-08-23. Review status: criteria provided, single submitter. Criteria: GeneDx Variant Classification Process June 2021. Collection method: clinical testing. Allele origin: germline. Affected: yes.
Comment: Not observed at a significant frequency in large population cohorts (gnomAD); In silico analysis supports that this missense variant has a deleterious effect on protein structure/function; Has not been previously published as pathogenic or benign to our knowledge; This variant is associated with the following publications: (PMID: 28393830)